The following is an entry in ClinVar:

NM_021922.3(FANCE):c.224A>C (p.Gln75Pro)

Genes: FANCE (FA complementation group E; plus strand), LOC129996245 (ATAC-STARR-seq lymphoblastoid silent region 17092; plus strand). Cytogenetic location: 6p21.31.
Variant type: single nucleotide variant.
Coding change: c.224A>C on transcript NM_021922.3 (MANE Select); coding-DNA position 224, A replaced by C.
Protein change: p.Gln75Pro; replaces glutamine 75 with proline.
Molecular consequence: missense variant.
Genome position (GRCh38, 1-based): chr6:35,452,769, A>C. VCF-style: chr6-35452769-A-C. GRCh37 (hg19) VCF-style: chr6-35420546-A-C.
Other names: short protein forms Q75P.
Identifiers: ClinVar variation 940025 (VCV000940025.13), dbSNP rs1309426375, ClinGen allele CA363770835.
Genomic context (GRCh38, chr6:35,452,769, plus strand): 5'-GGGAGCCCTTCGACTGGGGTCGCTTGCTCGAGGCCCTGTGCCGGGAGGAGCCGGTCGTGC[A>C]GGGGCCTGACGGCCGTCTGGAGCTGTAAGTCCTCGCCCGCGGCCCCTTAGCAGGTATGGG-3'
Protein context (NP_068741.1, residues 65-85): EALCREEPVV[Gln75Pro]GPDGRLELKP

ClinVar aggregate classification (germline): Uncertain significance. Review status: criteria provided, multiple submitters, no conflicts (2 of 4 stars). 3 submissions from 3 submitters: Uncertain significance (3). Last evaluated 2025-09-08.

Conditions:
Fanconi anemia (FA). Also called: Fanconi's anemia. Identifiers: Orphanet 84, MedGen C0015625, MeSH D005199, MONDO:0019391.
Fanconi anemia complementation group E (FANCE). Also called: FANCE-Related Fanconi Anemia. Identifiers: Orphanet 84, MedGen C3160739, MONDO:0010953, OMIM 600901.

Submissions (3):

Dasa
Classification: Uncertain significance. Last evaluated: 2025-09-08. Review status: criteria provided, single submitter. Criteria: DASA Assertion Criteria. Collection method: clinical testing. Allele origin: germline.
Comment: NM_021922.3(FANCE):c.224A>C (p.Gln75Pro) is a missense variant that results in the substitution of glutamine with proline. This variant is rare in population databases. Computational prediction algorithms are consistent with a benign effect. The currently available literature and clinical evidence are not sufficient to establish a definitive association between this variant and the reported condition. Therefore, this variant is classified as a variant of uncertain significance.

Labcorp Genetics (formerly Invitae), Labcorp
Classification: Uncertain significance for Fanconi anemia complementation group E. Last evaluated: 2025-06-04. Review status: criteria provided, single submitter. Criteria: Invitae Variant Classification Sherloc (09022015). Collection method: clinical testing. Allele origin: germline.
Comment: This sequence change replaces glutamine, which is neutral and polar, with proline, which is neutral and non-polar, at codon 75 of the FANCE protein (p.Gln75Pro). This variant is not present in population databases (gnomAD no frequency). This variant has not been reported in the literature in individuals affected with FANCE-related conditions. ClinVar contains an entry for this variant (Variation ID: 940025). Invitae Evidence Modeling of protein sequence and biophysical properties (such as structural, functional, and spatial information, amino acid conservation, physicochemical variation, residue mobility, and thermodynamic stability) indicates that this missense variant is not expected to disrupt FANCE protein function with a negative predictive value of 80%. In summary, the available evidence is currently insufficient to determine the role of this variant in disease. Therefore, it has been classified as a Variant of Uncertain Significance.

Sema4
Classification: Uncertain significance for Fanconi anemia. Last evaluated: 2022-01-06. Review status: criteria provided, single submitter. Criteria: Sema4 Curation Guidelines. Collection method: curation. Allele origin: germline.
Comment: The FANCE c.224A>C (p.Q75P) variant has not been reported in the literature to our knowledge. This variant was not observed in the large and broad cohorts of the Genome Aggregation Database (PMID: 32461654). This variant has been reported in ClinVar (Variation ID: 940025). In silico tools suggest the impact of the variant on protein function is benign, though these predictions have not been confirmed by functional studies. The evidence is insufficient to meet ACMG/AMP criteria for classifying the variant as benign or pathogenic. Thus, the clinical significance of this variant is currently uncertain.